The following is an entry in ClinVar:

NM_016207.4(CPSF3):c.1062A>G (p.Ile354Met)

Gene: CPSF3 (cleavage and polyadenylation specific factor 3; plus strand). Cytogenetic location: 2p25.1.
Variant type: single nucleotide variant.
Coding change: c.1062A>G on transcript NM_016207.4 (MANE Select); coding-DNA position 1062, A replaced by G.
Protein change: p.Ile354Met; replaces isoleucine 354 with methionine.
Molecular consequence: missense variant.
Genome position (GRCh38, 1-based): chr2:9,441,943, A>G. VCF-style: chr2-9441943-A-G. GRCh37 (hg19) VCF-style: chr2-9582072-A-G.
Other names: c.951A>G, p.Ile317Met (NM_001321833.2, NM_001321834.2); c.645A>G, p.Ile215Met (NM_001321835.2); c.1074A>G, p.Ile358Met (NM_001321836.2); c.1062A>G (NM_016207.2); short protein forms I215M, I317M, I354M, I358M.
Identifiers: ClinVar variation 3901921 (VCV003901921.2).

ClinVar aggregate classification (germline): Uncertain significance. Review status: criteria provided, multiple submitters, no conflicts (2 of 4 stars). 2 submissions from 2 submitters: Uncertain significance (2). Last evaluated 2025-04-29.

Conditions:
Neurodevelopmental disorder with microcephaly, hypotonia, nystagmus, and seizures (NEDMHS). Identifiers: MedGen C5676986, MONDO:0859250, OMIM 619876.

Submissions (2):

Laboratorio de Genetica e Diagnostico Molecular, Hospital Israelita Albert Einstein
Classification: Uncertain significance for Neurodevelopmental disorder with microcephaly, hypotonia, nystagmus, and seizures. Last evaluated: 2025-04-29. Review status: criteria provided, single submitter. Criteria: ACMG Guidelines, 2015. Collection method: clinical testing. Allele origin: germline. Affected: yes.
Comment: ACMG classification criteria: PM2 supporting, PP2 supporting, BP4 supporting

Ambry Genetics
Classification: Uncertain significance. Last evaluated: 2025-04-10. Review status: criteria provided, single submitter. Criteria: Ambry Variant Classification Scheme 2023. Collection method: clinical testing. Allele origin: germline.